The following is an entry in ClinVar:

ClinVar aggregate classification (germline): Uncertain significance (1 of 4 stars; one submission).

Conditions:
Inborn genetic diseases. Identifiers: MedGen C0950123, MeSH D030342.

Submission:

Ambry Genetics
Classification: Uncertain significance for Inborn genetic diseases. Last evaluated: 2024-02-14. Review status: criteria provided, single submitter. Criteria: Ambry Variant Classification Scheme 2023. Collection method: clinical testing. Allele origin: germline.
Comment: The c.3862-1G>C intronic variant results from a G to C substitution one nucleotide before coding exon 23 of the NBEA gene. Alterations that disrupt the canonical splice site are expected to result in aberrant splicing. The resulting transcript is predicted to be in-frame and is not expected to trigger nonsense-mediated mRNA decay; however, direct evidence is unavailable. The exact functional effect of the altered amino acid sequence is unknown. This variant was not reported in population-based cohorts in the Genome Aggregation Database (gnomAD). This nucleotide position is highly conserved in available vertebrate species. In silico splice site analysis predicts that this alteration will weaken the native splice acceptor site and will result in the creation or strengthening of a novel splice acceptor site. Based on insufficient or conflicting evidence, the clinical significance of this alteration remains unclear.

NM_001385012.1(NBEA):c.3862-1G>C

Gene: NBEA (neurobeachin; plus strand). Cytogenetic location: 13q13.3.
Variant type: single nucleotide variant.
Coding change: c.3862-1G>C on transcript NM_001385012.1 (MANE Select); the canonical splice acceptor site of the intron before coding-DNA position 3862, G replaced by C.
Molecular consequence: splice acceptor variant.
Genome position (GRCh38, 1-based): chr13:35,161,749, G>C. VCF-style: chr13-35161749-G-C. GRCh37 (hg19) VCF-style: chr13-35735886-G-C.
Other names: c.3862-1G>C (NM_015678.5, NM_001379245.1).
Identifiers: ClinVar variation 3178272 (VCV003178272.1), dbSNP rs2503663938, ClinGen allele CA387839504.